The following is an entry in ClinVar:

ClinVar aggregate classification (germline): Pathogenic/Likely pathogenic. Review status: criteria provided, multiple submitters, no conflicts (2 of 4 stars). 2 submissions from 2 submitters: Pathogenic (1); Likely pathogenic (1). Last evaluated 2022-04-13.

Conditions:
Primary ciliary dyskinesia. Also called: Ciliary dyskinesia. Identifiers: Orphanet 244, MedGen C0008780, MONDO:0016575, HP:0012265.
Primary ciliary dyskinesia 3. Identifiers: Orphanet 244, MedGen C1837618, MONDO:0012085, OMIM 608644.

Submissions (2):

Myriad Genetics, Inc.
Classification: Likely pathogenic for Primary ciliary dyskinesia 3. Last evaluated: 2022-04-13. Review status: criteria provided, single submitter. Criteria: Myriad Women's Health Autosomal Recessive and X-Linked Classification Criteria (2021). Collection method: clinical testing. Allele origin: unknown.
Comment: NM_001369.2(DNAH5):c.11935dupG(E3979Gfs*10) is expected to be pathogenic in the context of DNAH5-related primary ciliary dyskinesia. This variant is predicted to lead to an abnormal or absent protein product due to the creation of a premature termination codon in DNAH5, a gene where loss-of-function variants are known to be pathogenic. Please note: this variant was assessed in the context of healthy population screening.

Labcorp Genetics (formerly Invitae), Labcorp
Classification: Pathogenic for Primary ciliary dyskinesia. Last evaluated: 2021-10-24. Review status: criteria provided, single submitter. Criteria: Invitae Variant Classification Sherloc (09022015). Collection method: clinical testing. Allele origin: germline.
Comment: For these reasons, this variant has been classified as Pathogenic. This variant has not been reported in the literature in individuals affected with DNAH5-related conditions. This variant is not present in population databases (ExAC no frequency). This sequence change creates a premature translational stop signal (p.Glu3979Glyfs*10) in the DNAH5 gene. It is expected to result in an absent or disrupted protein product. Loss-of-function variants in DNAH5 are known to be pathogenic (PMID: 11788826, 16627867).

Literature cited by the submitters: PubMed 11788826 (cited by Labcorp Genetics (formerly Invitae), Labcorp); PubMed 16627867 (cited by Labcorp Genetics (formerly Invitae), Labcorp).

NM_001369.3(DNAH5):c.11935dup (p.Glu3979fs)

Gene: DNAH5 (dynein axonemal heavy chain 5; minus strand). Cytogenetic location: 5p15.2.
Variant type: Duplication.
Coding change: c.11935dup on transcript NM_001369.3 (MANE Select); coding-DNA position 11935, one base duplicated (G; older notation c.11935dupG).
Protein change: p.Glu3979fs; shifts the reading frame from glutamic acid 3979.
Molecular consequence: frameshift variant.
Genome position (GRCh38, 1-based): chr5:13,727,605, C duplicated on the plus strand (G on the coding strand, the reverse complement: DNAH5 is on the minus strand); the first of 2 consecutive C bases (chr5:13,727,605-13,727,606); duplicating either gives the same sequence. VCF-style (leftmost placement, unchanged base first): chr5-13727604-T-TC. GRCh37 (hg19) VCF-style: chr5-13727713-T-TC.
Other names: short protein forms E3979fs.
Identifiers: ClinVar variation 1381051 (VCV001381051.8), dbSNP rs2126564662, ClinGen allele CA2573138446.